The following is an entry in ClinVar:

ClinVar aggregate classification (germline): Uncertain significance (1 of 4 stars; one submission).

Conditions:
Hereditary sensory and autonomic neuropathy type 7. Also called: HSAN VII; Neuropathy, hereditary sensory and autonomic, type VII. Identifiers: Orphanet 391397, MedGen C3809882, MONDO:0014244, OMIM 615548.
Familial episodic pain syndrome with predominantly lower limb involvement. Also called: Episodic pain syndrome, familial, 3. Identifiers: Orphanet 391384, Orphanet 391392, MedGen C3809899, MONDO:0014247, OMIM 615552.

Allele frequency attached by ClinVar (database versions not stated): gnomAD exomes below 0.00001; TOPMed below 0.00001; ExAC 0.00001; gnomAD 0.00001.
gnomAD v4.1: 3 of 1,594,438 alleles (0.00019%); highest among the groups gnomAD compares: African/African-American, 0.0027%; no homozygotes.

Submission:

Labcorp Genetics (formerly Invitae), Labcorp
Classification: Uncertain significance for Familial episodic pain syndrome with predominantly lower limb involvement; Hereditary sensory and autonomic neuropathy type 7. Last evaluated: 2023-05-17. Review status: criteria provided, single submitter. Criteria: Invitae Variant Classification Sherloc (09022015). Collection method: clinical testing. Allele origin: germline.
Comment: In summary, the available evidence is currently insufficient to determine the role of this variant in disease. Therefore, it has been classified as a Variant of Uncertain Significance. Variants that disrupt the consensus splice site are a relatively common cause of aberrant splicing (PMID: 17576681, 9536098). Algorithms developed to predict the effect of sequence changes on RNA splicing suggest that this variant may disrupt the consensus splice site. This variant has not been reported in the literature in individuals affected with SCN11A-related conditions. This variant is present in population databases (rs758771339, gnomAD 0.01%). This sequence change falls in intron 15 of the SCN11A gene. It does not directly change the encoded amino acid sequence of the SCN11A protein. It affects a nucleotide within the consensus splice site.

Literature cited by the submitters: PubMed 17576681; PubMed 9536098.

NM_001349253.2(SCN11A):c.2835+3A>G

Gene: SCN11A (sodium voltage-gated channel alpha subunit 11; minus strand). Cytogenetic location: 3p22.2.
Variant type: single nucleotide variant.
Coding change: c.2835+3A>G on transcript NM_001349253.2 (MANE Select); 3 bases into the intron after coding-DNA position 2835, A replaced by G.
Molecular consequence: intron variant.
Genome position (GRCh38, 1-based): chr3:38,894,530, T>C on the plus strand (A>G on the coding strand, the complement: SCN11A is on the minus strand). VCF-style: chr3-38894530-T-C. GRCh37 (hg19) VCF-style: chr3-38936021-T-C.
Other names: c.2835+3A>G (NM_014139.3).
Identifiers: ClinVar variation 2939638 (VCV002939638.3), dbSNP rs758771339, ClinGen allele CA2321959.